The following is an entry in ClinVar:

NM_152564.5(VPS13B):c.10570C>T (p.Leu3524Phe)

Gene: VPS13B (vacuolar protein sorting 13 homolog B; plus strand). Cytogenetic location: 8q22.2.
Variant type: single nucleotide variant.
Coding change: c.10570C>T on transcript NM_152564.5 (MANE Select); coding-DNA position 10570, C replaced by T.
Protein change: p.Leu3524Phe; replaces leucine 3524 with phenylalanine.
Molecular consequence: missense variant.
Genome position (GRCh38, 1-based): chr8:99,853,959, C>T. VCF-style: chr8-99853959-C-T. GRCh37 (hg19) VCF-style: chr8-100866187-C-T.
Other names: c.10645C>T, p.Leu3549Phe (NM_017890.5); short protein forms L3524F, L3549F.
Identifiers: ClinVar variation 1474241 (VCV001474241.3), dbSNP rs2130917896, ClinGen allele CA371784063.

ClinVar aggregate classification (germline): Uncertain significance (1 of 4 stars; one submission).

Conditions:
Cohen syndrome (COH1). Also called: PEPPER SYNDROME; Cutis verticis gyrata, retinitis pigmentosa, and sensorineural deafness. Identifiers: Orphanet 193, MedGen C0265223, MONDO:0008999, OMIM 216550.

Submission:

Labcorp Genetics (formerly Invitae), Labcorp
Classification: Uncertain significance for Cohen syndrome. Last evaluated: 2021-08-18. Review status: criteria provided, single submitter. Criteria: Invitae Variant Classification Sherloc (09022015). Collection method: clinical testing. Allele origin: germline.
Comment: This sequence change replaces leucine with phenylalanine at codon 3549 of the VPS13B protein (p.Leu3549Phe). The leucine residue is moderately conserved and there is a small physicochemical difference between leucine and phenylalanine. This variant is not present in population databases (ExAC no frequency). This variant has not been reported in the literature in individuals affected with VPS13B-related conditions. Algorithms developed to predict the effect of missense changes on protein structure and function are either unavailable or do not agree on the potential impact of this missense change (SIFT: "Not Available"; PolyPhen-2: "Possibly Damaging"; Align-GVGD: "Not Available"). In summary, the available evidence is currently insufficient to determine the role of this variant in disease. Therefore, it has been classified as a Variant of Uncertain Significance.